The following is an entry in ClinVar:

NM_014149.4(WDR91):c.374G>C (p.Trp125Ser)

Genes: WDR91 (WD repeat domain 91; minus strand), LOC126860191 (BRD4-independent group 4 enhancer GRCh37_chr7:134893611-134894810; plus strand). Cytogenetic location: 7q33.
Variant type: single nucleotide variant.
Coding change: c.374G>C on transcript NM_014149.4 (MANE Select); coding-DNA position 374, G replaced by C.
Protein change: p.Trp125Ser; replaces tryptophan 125 with serine.
Molecular consequence: missense variant. On other transcripts: 5 prime UTR variant (1), non-coding transcript variant (2).
Genome position (GRCh38, 1-based): chr7:135,208,928, C>G on the plus strand (G>C on the coding strand, the complement: WDR91 is on the minus strand). VCF-style: chr7-135208928-C-G. GRCh37 (hg19) VCF-style: chr7-134893680-C-G.
Other names: c.374G>C, p.Trp125Ser (NM_001362736.2, NM_001362737.2); c.-388G>C (NM_001362738.2); short protein forms W125S.
Identifiers: ClinVar variation 3365517 (VCV003365517.1).
Genomic context (GRCh38, chr7:135,208,928, plus strand): 5'-GTAGCAAAGGTGGGGTTGGTGTCCGGGGATGGCAGGAAGGGCAGGACAAACCAATCCTTC[C>G]ACTCAGCCTGGTTCTGGAGTTCCGTGGCCTGCTTTGCAAAGAACTCCTGAGCCTTGTCAT-3'
Protein context (NP_054868.3, residues 115-135): QATELQNQAE[Trp125Ser]KDWFVLPFLP

ClinVar aggregate classification (germline): Uncertain significance (1 of 4 stars; one submission).

Submission:

GeneDx
Classification: Uncertain significance. Last evaluated: 2023-12-14. Review status: criteria provided, single submitter. Criteria: GeneDx Variant Classification Process June 2021. Collection method: clinical testing. Allele origin: germline. Affected: yes.
Comment: Not observed at significant frequency in large population cohorts (gnomAD); In silico analysis supports that this missense variant has a deleterious effect on protein structure/function; Has not been previously published as pathogenic or benign to our knowledge